The following is an entry in ClinVar:

NM_024685.4(BBS10):c.1189A>G (p.Ile397Val)

Gene: BBS10 (Bardet-Biedl syndrome 10; minus strand). Cytogenetic location: 12q21.2.
Variant type: single nucleotide variant.
Coding change: c.1189A>G on transcript NM_024685.4 (MANE Select); coding-DNA position 1189, A replaced by G.
Protein change: p.Ile397Val; replaces isoleucine 397 with valine.
Molecular consequence: missense variant.
Genome position (GRCh38, 1-based): chr12:76,346,796, T>C on the plus strand (A>G on the coding strand, the complement: BBS10 is on the minus strand). VCF-style: chr12-76346796-T-C. GRCh37 (hg19) VCF-style: chr12-76740576-T-C.
Other names: short protein forms I397V.
Identifiers: ClinVar variation 1723353 (VCV001723353.8), dbSNP rs202042386, ClinGen allele CA6694209.

ClinVar aggregate classification (germline): Conflicting classifications of pathogenicity. Review status: criteria provided, conflicting classifications (1 of 4 stars). 5 submissions from 5 submitters: Likely pathogenic (2); Uncertain significance (3). Last evaluated 2025-10-22.

Conditions:
Bardet-Biedl syndrome 10 (BBS10). Identifiers: Orphanet 110, MedGen C1859568, MONDO:0014438, OMIM 615987.
Bardet-Biedl syndrome (BBS). Identifiers: Orphanet 110, MedGen C0752166, MONDO:0015229.
BBS10-related disorder. Also called: BBS10-related condition.

Allele frequency attached by ClinVar (database versions not stated): TOPMed 0.00004; gnomAD 0.00005; ESP Exome Variant Server 0.00008; ExAC 0.00009.
gnomAD v4.1: 33 of 1,614,034 alleles (0.002%); highest among the groups gnomAD compares: Middle Eastern, 0.016%; no homozygotes.

Submissions (5):

PreventionGenetics, part of Exact Sciences
Classification: Uncertain significance for BBS10-related condition. Last evaluated: 2025-10-22. Review status: criteria provided, single submitter. Criteria: ACMG Guidelines, 2015. Collection method: clinical testing. Allele origin: germline.
Comment: The BBS10 c.1189A>G variant is predicted to result in the amino acid substitution p.Ile397Val. This variant has been reported in the homozygous state in three individuals with type 2 diabetes and high BMI; however none of the individuals had cardinal features of Bardet-Biedl syndrome (Lim et al 2014. PubMed ID: 25439097). This variant is reported in 0.011% of alleles in individuals of European (Non-Finnish) descent in gnomAD. Although we suspect that this variant may be pathogenic, at this time, the clinical significance of this variant is uncertain due to the absence of conclusive functional and genetic evidence.

Fulgent Genetics
Classification: Likely pathogenic for Bardet-Biedl syndrome 10. Last evaluated: 2024-05-20. Review status: criteria provided, single submitter. Criteria: ACMG Guidelines, 2015. Collection method: clinical testing. Allele origin: germline.

GeneDx
Classification: Uncertain significance. Last evaluated: 2023-07-09. Review status: criteria provided, single submitter. Criteria: GeneDx Variant Classification Process June 2021. Collection method: clinical testing. Allele origin: germline. Affected: yes.
Comment: In silico analysis supports that this missense variant does not alter protein structure/function; This variant is associated with the following publications: (PMID: 25439097)

Women's Health and Genetics/Laboratory Corporation of America, LabCorp
Classification: Likely pathogenic for Bardet-Biedl syndrome. Last evaluated: 2022-10-19. Review status: criteria provided, single submitter. Criteria: LabCorp Variant Classification Summary - May 2015. Collection method: clinical testing. Allele origin: germline.
Comment: Variant summary: BBS10 c.1189A>G (p.Ile397Val) results in a conservative amino acid change in the encoded protein sequence. Five of five in-silico tools predict a benign effect of the variant on protein function. The variant allele was found at a frequency of 6e-05 in 282676 control chromosomes (gnomAD). This frequency is not significantly higher than expected for a pathogenic variant in BBS10 causing Bardet-Biedl Syndrome (6e-05 vs 0.0012), allowing no conclusion about variant significance. c.1189A>G has been reported in the literature in three homozygous individuals affected with Obesity and Diabetes, Type 2 (Lim_2014), which are phenotypes associated with Bardet-Biedl Syndrome (MIM #615987). These data indicate that the variant is likely to be associated with disease. When assayed for rescue functionality in a Zebrafish Morphilino system, the variant could not rescue the convergent extension defect observed in bbs10 knockdown animals, indicating loss-of-function (Lim_2014). No clinical diagnostic laboratories have submitted clinical-significance assessments for this variant to ClinVar after 2014. Based on the evidence outlined above, the variant was classified as likely pathogenic.

Labcorp Genetics (formerly Invitae), Labcorp
Classification: Uncertain significance for Bardet-Biedl syndrome. Last evaluated: 2022-05-08. Review status: criteria provided, single submitter. Criteria: Invitae Variant Classification Sherloc (09022015). Collection method: clinical testing. Allele origin: germline.
Comment: This sequence change replaces isoleucine, which is neutral and non-polar, with valine, which is neutral and non-polar, at codon 397 of the BBS10 protein (p.Ile397Val). This variant is present in population databases (rs202042386, gnomAD 0.01%). This variant has not been reported in the literature in individuals affected with BBS10-related conditions. Algorithms developed to predict the effect of missense changes on protein structure and function output the following: SIFT: "Tolerated"; PolyPhen-2: "Benign"; Align-GVGD: "Class C0". The valine amino acid residue is found in multiple mammalian species, which suggests that this missense change does not adversely affect protein function. In summary, the available evidence is currently insufficient to determine the role of this variant in disease. Therefore, it has been classified as a Variant of Uncertain Significance.

Literature cited by the submitters: PubMed 25439097 (cited by Women's Health and Genetics/Laboratory Corporation of America, LabCorp).